The following is an entry in ClinVar:

ClinVar aggregate classification (germline): Pathogenic. Review status: criteria provided, multiple submitters, no conflicts (2 of 4 stars). 5 submissions from 5 submitters: Pathogenic (5). Last evaluated 2024-12-02.

Conditions:
Neurodevelopmental disorder. Identifiers: MedGen C1535926, MeSH D065886, MONDO:0700092.
Microcephaly-intellectual disability-sensorineural hearing loss-epilepsy-abnormal muscle tone syndrome (NEDHSB). Also called: NEURODEVELOPMENTAL DISORDER WITH HEARING LOSS, SEIZURES, AND BRAIN ABNORMALITIES. Identifiers: Orphanet 457351, MedGen C4225276, MONDO:0014698, OMIM 616577.
SPATA5-related disorder.

Allele frequency attached by ClinVar (database versions not stated): TOPMed 0.00003; ExAC 0.00004; gnomAD 0.00005 and 0.00006; gnomAD exomes 0.00005 and 0.00007.
gnomAD v4.1: 78 of 1,612,970 alleles (0.0048%); highest among the groups gnomAD compares: Non-Finnish European, 0.0058%; no homozygotes.

Submissions (5):

GeneDx
Classification: Pathogenic. Last evaluated: 2024-12-02. Review status: criteria provided, single submitter. Criteria: GeneDx Variant Classification Process June 2021. Collection method: clinical testing. Allele origin: germline. Affected: yes.
Comment: Not observed at significant frequency in large population cohorts (gnomAD); In silico analysis indicates that this missense variant does not alter protein structure/function; This variant is associated with the following publications: (PMID: 26299366, 29343804, 28513609, 33528536, 31440721)

Labcorp Genetics (formerly Invitae), Labcorp
Classification: Pathogenic for Microcephaly-intellectual disability-sensorineural hearing loss-epilepsy-abnormal muscle tone syndrome. Last evaluated: 2024-08-28. Review status: criteria provided, single submitter. Criteria: Invitae Variant Classification Sherloc (09022015). Collection method: clinical testing. Allele origin: germline.
Comment: This sequence change replaces arginine, which is basic and polar, with glutamine, which is neutral and polar, at codon 84 of the SPATA5 protein (p.Arg84Gln). This variant is present in population databases (rs745858366, gnomAD 0.01%). This missense change has been observed in individual(s) with epilepsy, hearing loss, and intellectual disability syndrome (PMID: 26299366, 28513609; internal data). In at least one individual the data is consistent with being in trans (on the opposite chromosome) from a pathogenic variant. ClinVar contains an entry for this variant (Variation ID: 203534). Invitae Evidence Modeling of protein sequence and biophysical properties (such as structural, functional, and spatial information, amino acid conservation, physicochemical variation, residue mobility, and thermodynamic stability) has been performed for this missense variant. However, the output from this modeling did not meet the statistical confidence thresholds required to predict the impact of this variant on SPATA5 protein function. For these reasons, this variant has been classified as Pathogenic.

Women's Health and Genetics/Laboratory Corporation of America, LabCorp
Classification: Pathogenic for Microcephaly-intellectual disability-sensorineural hearing loss-epilepsy-abnormal muscle tone syndrome. Last evaluated: 2024-07-02. Review status: criteria provided, single submitter. Criteria: LabCorp Variant Classification Summary - May 2015. Collection method: clinical testing. Allele origin: germline.
Comment: Variant summary: AFG2A c.251G>A (p.Arg84Gln) results in a conservative amino acid change in the encoded protein sequence. Three of five in-silico tools predict a damaging effect of the variant on protein function. The variant allele was found at a frequency of 6.7e-05 in 281868 control chromosomes (gnomAD). This frequency is not significantly higher than estimated for a pathogenic variant in AFG2A causing Epilepsy, Hearing Loss, And Mental Retardation Syndrome, allowing no conclusion about variant significance. c.251G>A has been reported in the literature in multiple individuals affected with Epilepsy, Hearing Loss, And Mental Retardation Syndrome, or with cerebral palsy (e.g. Tanaka_2015, Truty_2019, Moreno-De-Luca_2021). These data indicate that the variant is very likely to be associated with disease. To our knowledge, no experimental evidence demonstrating an impact on protein function has been reported. The following publications have been ascertained in the context of this evaluation (PMID: 26299366, 31440721, 33528536). ClinVar contains an entry for this variant (Variation ID: 203534). Based on the evidence outlined above, the variant was classified as pathogenic.

Laboratory of Molecular Genetics (Pr. Bezieau's lab), CHU de Nantes
Classification: Pathogenic for Neurodevelopmental disorder. Last evaluated: 2023-03-14. Review status: criteria provided, single submitter. Criteria: ACMG Guidelines, 2015. Collection method: clinical testing. Allele origin: germline. Affected: yes.

Blueprint Genetics
Classification: Pathogenic for SPATA5-related disorders. Last evaluated: 2022-12-22. Review status: criteria provided, single submitter. Criteria: ACMG Guidelines, 2015. Collection method: clinical testing. Allele origin: germline. Affected: yes. Observed: 4 variant alleles.

Literature cited by the submitters: PubMed 26299366 (cited by Labcorp Genetics (formerly Invitae), Labcorp and Women's Health and Genetics/Laboratory Corporation of America, LabCorp); PubMed 28513609 (cited by Labcorp Genetics (formerly Invitae), Labcorp); PubMed 31440721 (cited by Women's Health and Genetics/Laboratory Corporation of America, LabCorp); PubMed 33528536 (cited by Women's Health and Genetics/Laboratory Corporation of America, LabCorp).

NM_145207.3(AFG2A):c.251G>A (p.Arg84Gln)

Gene: AFG2A (AAA ATPase AFG2A; plus strand). Cytogenetic location: 4q28.1.
Variant type: single nucleotide variant.
Coding change: c.251G>A on transcript NM_145207.3 (MANE Select); coding-DNA position 251, G replaced by A.
Protein change: p.Arg84Gln; replaces arginine 84 with glutamine.
Molecular consequence: missense variant.
Genome position (GRCh38, 1-based): chr4:122,927,721, G>A. VCF-style: chr4-122927721-G-A. GRCh37 (hg19) VCF-style: chr4-123848876-G-A.
Other names: p.R84Q:CGA>CAA; c.248G>A, p.Arg83Gln (NM_001317799.2, NM_001345856.2); short protein forms R84Q, R83Q.
Identifiers: ClinVar variation 203534 (VCV000203534.15), dbSNP rs745858366, ClinGen allele CA312165.